The following is an entry in ClinVar:

ClinVar aggregate classification (germline): Pathogenic (1 of 4 stars; one submission).

Conditions:
Congenital muscular hypertrophy-cerebral syndrome (CDLS2). Also called: SMC1A-Related Cornelia de Lange Syndrome; Cornelia de Lange syndrome 2. Identifiers: Orphanet 199, MedGen C1802395, MONDO:0010370, OMIM 300590.

Submission:

Labcorp Genetics (formerly Invitae), Labcorp
Classification: Pathogenic for Congenital muscular hypertrophy-cerebral syndrome. Last evaluated: 2024-06-09. Review status: criteria provided, single submitter. Criteria: Invitae Variant Classification Sherloc (09022015). Collection method: clinical testing. Allele origin: germline.
Comment: This sequence change creates a premature translational stop signal (p.Ser951Valfs*13) in the SMC1A gene. It is expected to result in an absent or disrupted protein product. Loss-of-function variants in SMC1A are known to be pathogenic (PMID: 26386245, 27334371, 28166369, 28548707, 31334757). This variant is not present in population databases (gnomAD no frequency). This variant has not been reported in the literature in individuals affected with SMC1A-related conditions. For these reasons, this variant has been classified as Pathogenic.

Literature cited by the submitters: PubMed 26386245; PubMed 27334371; PubMed 28166369; PubMed 28548707; PubMed 31334757.

NM_006306.4(SMC1A):c.2851del (p.Ser951fs)

Gene: SMC1A (structural maintenance of chromosomes 1A; minus strand). Cytogenetic location: Xp11.22.
Variant type: Deletion.
Coding change: c.2851del on transcript NM_006306.4 (MANE Select); coding-DNA position 2851, one base deleted (A; older notation c.2851delA).
Protein change: p.Ser951fs; shifts the reading frame from serine 951.
Molecular consequence: frameshift variant.
Genome position (GRCh38, 1-based): chrX:53,396,238, T deleted on the plus strand (A on the coding strand, the reverse complement: SMC1A is on the minus strand). VCF-style (leftmost placement, unchanged base first): chrX-53396237-CT-C. GRCh37 (hg19) VCF-style: chrX-53423157-CT-C.
Other names: c.2785del, p.Ser929fs (NM_001281463.1); short protein forms S929fs, S951fs.
Identifiers: ClinVar variation 3655961 (VCV003655961.2).